The following is an entry in ClinVar:

ClinVar aggregate classification (germline): Uncertain significance (1 of 4 stars; one submission).

gnomAD v4.1: 1 of 1,614,024 alleles (0.000062%); highest among the groups gnomAD compares: African/African-American, 0.0013%; no homozygotes.

Submission:

GeneDx
Classification: Uncertain significance. Last evaluated: 2026-06-12. Review status: criteria provided, single submitter. Criteria: GeneDx Variant Classification Process June 2021. Collection method: clinical testing. Allele origin: germline.
Comment: Not observed at significant frequency in large population cohorts (gnomAD); In silico analysis supports that this missense variant has a deleterious effect on protein structure/function; Has not been previously published as pathogenic or benign to our knowledge

NM_183357.3(ADCY5):c.1855G>C (p.Glu619Gln)

Gene: ADCY5 (adenylate cyclase 5; minus strand). Cytogenetic location: 3q21.1.
Variant type: single nucleotide variant.
Coding change: c.1855G>C on transcript NM_183357.3 (MANE Select); coding-DNA position 1855, G replaced by C.
Protein change: p.Glu619Gln; replaces glutamic acid 619 with glutamine.
Molecular consequence: missense variant.
Genome position (GRCh38, 1-based): chr3:123,327,710, C>G on the plus strand (G>C on the coding strand, the complement: ADCY5 is on the minus strand). VCF-style: chr3-123327710-C-G. GRCh37 (hg19) VCF-style: chr3-123046557-C-G.
Other names: c.805G>C, p.Glu269Gln (NM_001199642.1); c.1855G>C, p.Glu619Gln (NM_001378259.1); short protein forms E269Q, E619Q.
Identifiers: ClinVar variation 3361462 (VCV003361462.2).